The following is an entry in ClinVar:

ClinVar aggregate classification (germline): Conflicting classifications of pathogenicity. Review status: criteria provided, conflicting classifications (1 of 4 stars). 5 submissions from 5 submitters: Uncertain significance (1); Likely benign (4). Last evaluated 2026-10-13.

Conditions:
CLPB-related disorder. Also called: CLPB-related condition.
3-methylglutaconic aciduria, type VIIB (MGCA7B). Also called: 3-methylglutaconic aciduria, type VII, with cataracts, neurologic involvement and neutropenia; 3-methylglutaconic aciduria with cataracts, neurologic involvement and neutropenia; CLPB Deficiency. Identifiers: Orphanet 445038, MedGen C5676893, MONDO:0014561, OMIM 616271.

Allele frequency attached by ClinVar (database versions not stated): gnomAD exomes 0.00004 and 0.00007; ExAC 0.00011; TOPMed 0.00029; gnomAD 0.00036 and 0.00040; 1000 Genomes Project 0.00040; 1000 Genomes Project 30x 0.00047; ESP Exome Variant Server 0.00054.
gnomAD v4.1: 110 of 1,612,356 alleles (0.0068%); highest among the groups gnomAD compares: African/African-American, 0.11%; no homozygotes.

Submissions (5):

GeneDx
Classification: Uncertain significance. Last evaluated: 2026-10-13. Review status: criteria provided, single submitter. Criteria: GeneDx Variant Classification Process June 2021. Collection method: clinical testing. Allele origin: germline.
Comment: In silico analysis suggests that this variant does not alter splicing; Has not been previously published as pathogenic or benign to our knowledge

Women's Health and Genetics/Laboratory Corporation of America, LabCorp
Classification: Likely benign. Last evaluated: 2026-03-31. Review status: criteria provided, single submitter. Criteria: LabCorp Variant Classification Summary - May 2015. Collection method: clinical testing. Allele origin: germline.

Labcorp Genetics (formerly Invitae), Labcorp
Classification: Likely benign for 3-methylglutaconic aciduria, type VIIB. Last evaluated: 2025-10-08. Review status: criteria provided, single submitter. Criteria: Invitae Variant Classification Sherloc (09022015). Collection method: clinical testing. Allele origin: germline.

PreventionGenetics, part of Exact Sciences
Classification: Likely benign for CLPB-related condition. Last evaluated: 2025-09-24. Review status: criteria provided, single submitter. Criteria: ACMG Guidelines, 2015. Collection method: clinical testing. Allele origin: germline.
Comment: This variant is classified as likely benign based on ACMG/AMP sequence variant interpretation guidelines (Richards et al. 2015 PMID: 25741868, with internal and published modifications).

CeGaT Center for Human Genetics Tuebingen
Classification: Likely benign. Last evaluated: 2020-11-01. Review status: criteria provided, single submitter. Criteria: CeGaT Center For Human Genetics Tuebingen Variant Classification Criteria Version 2. Collection method: clinical testing. Allele origin: germline. Affected: yes. Observed: 1 variant allele.

NM_001258392.3(CLPB):c.159G>A (p.Gly53=)

Genes: CLPB (ClpB family mitochondrial disaggregase; minus strand), LOC130006336 (ATAC-STARR-seq lymphoblastoid active region 5191; plus strand). Cytogenetic location: 11q13.4.
Variant type: single nucleotide variant.
Coding change: c.159G>A on transcript NM_001258392.3 (MANE Select); coding-DNA position 159, G replaced by A.
Protein change: p.Gly53=; no amino-acid change (glycine 53 retained).
Molecular consequence: synonymous variant. On other transcripts: 5 prime UTR variant (1).
Genome position (GRCh38, 1-based): chr11:72,434,316, C>T on the plus strand (G>A on the coding strand, the complement: CLPB is on the minus strand). VCF-style: chr11-72434316-C-T. GRCh37 (hg19) VCF-style: chr11-72145360-C-T.
Other names: c.159G>A, p.Gly53= (NM_001258393.3, NM_030813.6); c.-84G>A (NM_001258394.3).
Identifiers: ClinVar variation 716318 (VCV000716318.48), dbSNP rs146260335, ClinGen allele CA6171665.